The following is an entry in ClinVar:

ClinVar aggregate classification (germline): Uncertain significance. Review status: criteria provided, multiple submitters, no conflicts (2 of 4 stars). 2 submissions from 2 submitters: Uncertain significance (2). Last evaluated 2019-06-28.

Conditions:
Cardiovascular phenotype. Identifiers: MedGen CN230736.
Dilated cardiomyopathy 1J (CMD1J). Also called: CARDIOMYOPATHY, DILATED, WITH SENSORINEURAL HEARING LOSS, AUTOSOMAL DOMINANT. Identifiers: Orphanet 217622, MedGen C1854368, MONDO:0011541, OMIM 605362.

Allele frequency attached by ClinVar (database versions not stated): gnomAD exomes below 0.00001.
gnomAD v4.1: 1 of 1,614,076 alleles (0.000062%); highest among the groups gnomAD compares: African/African-American, 0.0013%; no homozygotes.

Submissions (2):

Ambry Genetics
Classification: Uncertain significance for Cardiovascular phenotype. Last evaluated: 2019-06-28. Review status: criteria provided, single submitter. Criteria: Ambry Variant Classification Scheme 2023. Collection method: clinical testing. Allele origin: germline.
Comment: The p.V197A variant (also known as c.590T>C), located in coding exon 8 of the EYA4 gene, results from a T to C substitution at nucleotide position 590. The valine at codon 197 is replaced by alanine, an amino acid with similar properties. This amino acid position is highly conserved in available vertebrate species. In addition, this alteration is predicted to be deleterious by in silico analysis. Since supporting evidence is limited at this time, the clinical significance of this alteration remains unclear.

Labcorp Genetics (formerly Invitae), Labcorp
Classification: Uncertain significance for Dilated cardiomyopathy 1J. Last evaluated: 2019-04-15. Review status: criteria provided, single submitter. Criteria: Invitae Variant Classification Sherloc (09022015). Collection method: clinical testing. Allele origin: germline.
Comment: Algorithms developed to predict the effect of missense changes on protein structure and function (SIFT, PolyPhen-2, Align-GVGD) all suggest that this variant is likely to be tolerated, but these predictions have not been confirmed by published functional studies and their clinical significance is uncertain. In summary, the available evidence is currently insufficient to determine the role of this variant in disease. Therefore, it has been classified as a Variant of Uncertain Significance. This variant is not present in population databases (ExAC no frequency). This sequence change replaces valine with alanine at codon 197 of the EYA4 protein (p.Val197Ala). The valine residue is highly conserved and there is a small physicochemical difference between valine and alanine. This variant has not been reported in the literature in individuals with EYA4-related conditions.

NM_004100.5(EYA4):c.590T>C (p.Val197Ala)

Gene: EYA4 (EYA transcriptional coactivator and phosphatase 4; plus strand). Cytogenetic location: 6q23.2.
Variant type: single nucleotide variant.
Coding change: c.590T>C on transcript NM_004100.5 (MANE Select); coding-DNA position 590, T replaced by C.
Protein change: p.Val197Ala; replaces valine 197 with alanine.
Molecular consequence: missense variant.
Genome position (GRCh38, 1-based): chr6:133,462,630, T>C. VCF-style: chr6-133462630-T-C. GRCh37 (hg19) VCF-style: chr6-133783768-T-C.
Other names: c.428T>C, p.Val143Ala (NM_001301012.2, NM_001370459.1); c.590T>C, p.Val197Ala (NM_001301013.2, NM_172105.4); c.521T>C, p.Val174Ala (NM_001370458.1, NM_172103.4); short protein forms V143A, V174A, V197A.
Identifiers: ClinVar variation 836382 (VCV000836382.11), dbSNP rs1794499562, ClinGen allele CA365698744.
Genomic context (GRCh38, chr6:133,462,630, plus strand): 5'-GGAAAATCATCTTACTAATTAAATGGTTTACACATTCAATTTTCTGAACAGATTTGGGTG[T>C]GATGTTGCCAGCCATCAAGACAGAGAGTGGACTTTCCCAAACTCAGTCCCCATTACAGAG-3'
Protein context (NP_004091.3, residues 187-207): PYSLPTYDLG[Val197Ala]MLPAIKTESG